The following is an entry in ClinVar:

ClinVar aggregate classification (germline): Likely benign (1 of 4 stars; one submission).

Conditions:
TMEM67-related disorder. Also called: TMEM67-related disorders; TMEM67-related condition. Identifiers: MedGen CN239423.

gnomAD v4.1: 1 of 1,514,622 alleles (0.000066%); highest among the groups gnomAD compares: Non-Finnish European, 0.000091%; no homozygotes.

Submission:

PreventionGenetics, part of Exact Sciences
Classification: Likely benign for TMEM67-related condition. Last evaluated: 2024-10-11. Review status: criteria provided, single submitter. Criteria: ACMG Guidelines, 2015. Collection method: clinical testing. Allele origin: germline.
Comment: This variant is classified as likely benign based on ACMG/AMP sequence variant interpretation guidelines (Richards et al. 2015 PMID: 25741868, with internal and published modifications).

NM_153704.6(TMEM67):c.264T>C (p.Ser88=)

Gene: TMEM67 (transmembrane protein 67; plus strand). Cytogenetic location: 8q22.1.
Variant type: single nucleotide variant.
Coding change: c.264T>C on transcript NM_153704.6 (MANE Select); coding-DNA position 264, T replaced by C.
Protein change: p.Ser88=; no amino-acid change (serine 88 retained).
Molecular consequence: synonymous variant. On other transcripts: non-coding transcript variant (1), intron variant (1).
Genome position (GRCh38, 1-based): chr8:93,755,818, T>C. VCF-style: chr8-93755818-T-C. GRCh37 (hg19) VCF-style: chr8-94768046-T-C.
Other names: c.-62+681T>C (NM_001142301.1).
Identifiers: ClinVar variation 5000456 (VCV005000456.1).
Genomic context (GRCh38, chr8:93,755,818, plus strand): 5'-TTTTTTTTTTTTTTTTTTAGGAACTTCATGTGTATGTCTACCAGGATTTCAGATGATCTC[T>C]AATAATGGAGGACCTGCTATTATTTGTAAAAAGTGCCCAGAAAACATGGTGCGCATAATT-3'
Protein context (NP_714915.3, residues 78-98): CVCLPGFQMI[Ser88=]NNGGPAIICK